The following is an entry in ClinVar:

ClinVar aggregate classification (germline): Uncertain significance (1 of 4 stars; one submission).

Submission:

GeneDx
Classification: Uncertain significance. Last evaluated: 2025-04-24. Review status: criteria provided, single submitter. Criteria: GeneDx Variant Classification Process June 2021. Collection method: clinical testing. Allele origin: germline. Affected: yes.
Comment: Not observed at significant frequency in large population cohorts (gnomAD); In silico analysis indicates that this missense variant does not alter protein structure/function; Has not been previously published as pathogenic or benign to our knowledge

NM_001303052.2(MYT1L):c.3205G>A (p.Asp1069Asn)

Gene: MYT1L (myelin transcription factor 1 like; minus strand). Cytogenetic location: 2p25.3.
Variant type: single nucleotide variant.
Coding change: c.3205G>A on transcript NM_001303052.2 (MANE Select); coding-DNA position 3205, G replaced by A.
Protein change: p.Asp1069Asn; replaces aspartic acid 1069 with asparagine.
Molecular consequence: missense variant.
Genome position (GRCh38, 1-based): chr2:1,801,767, C>T on the plus strand (G>A on the coding strand, the complement: MYT1L is on the minus strand). VCF-style: chr2-1801767-C-T. GRCh37 (hg19) VCF-style: chr2-1805539-C-T.
Other names: c.3205G>A, p.Asp1069Asn (NM_001329844.2, NM_001329845.1, NM_001329851.3); c.3199G>A, p.Asp1067Asn (NM_001329846.3, NM_001329847.2, NM_001329848.1 and 3 more transcripts); short protein forms D1067N, D1069N.
Identifiers: ClinVar variation 4527591 (VCV004527591.1).